The following is an entry in ClinVar:

NM_000287.4(PEX6):c.2911A>T (p.Lys971Ter)

Gene: PEX6 (peroxisomal biogenesis factor 6; minus strand). Cytogenetic location: 6p21.1.
Variant type: single nucleotide variant.
Coding change: c.2911A>T on transcript NM_000287.4 (MANE Select); coding-DNA position 2911, A replaced by T.
Protein change: p.Lys971Ter; replaces lysine 971 with a stop codon.
Molecular consequence: nonsense. On other transcripts: non-coding transcript variant (1).
Genome position (GRCh38, 1-based): chr6:42,964,367, T>A on the plus strand (A>T on the coding strand, the complement: PEX6 is on the minus strand). VCF-style: chr6-42964367-T-A. GRCh37 (hg19) VCF-style: chr6-42932105-T-A.
Other names: c.2647A>T, p.Lys883Ter (NM_001316313.2); short protein forms K883*, K971*.
Identifiers: ClinVar variation 5003714 (VCV005003714.1).
Genomic context (GRCh38, chr6:42,964,367, plus strand): 5'-GAGCGGGGTCCCAGACCCTGGGGGGCTCCTAGCAGGCAGCAAACTTGCGCTGGATGCGCT[T>A]GTACCGGAGCAGCTCCTGCTCACTGACTGAGGGTTGCAGCCGGGCGGCAGCCTGCAGCAA-3'

ClinVar aggregate classification (germline): Uncertain significance (1 of 4 stars; one submission).

Conditions:
Peroxisome biogenesis disorder. Identifiers: Orphanet 79189, MedGen C1832200, MONDO:0019234. Disease mechanism: loss of function.

Submission:

Myriad Genetics, Inc.
Classification: Uncertain significance for Peroxisome biogenesis disorder. Last evaluated: 2025-11-04. Review status: criteria provided, single submitter. Criteria: Myriad Autosomal Dominant, Autosomal Recessive and X-Linked Classification Criteria (2023). Collection method: clinical testing. Allele origin: unknown.
Comment: NM_000287.3(PEX6):c.2911A>T(K971*) is a nonsense variant classified as a variant of uncertain significance in the context of peroxisome biogenesis disorder type 4. K971* has not been observed in cases with relevant disease. Relevant functional assessments of this variant are not available in the literature. K971* has not been observed in referenced population frequency databases. In summary, there is insufficient evidence to classify NM_000287.3(PEX6):c.2911A>T(K971*) as pathogenic or benign. Please note: this variant was assessed in the context of healthy population screening.